The following is an entry in ClinVar:

NM_002397.5(MEF2C):c.1337C>T (p.Pro446Leu)

Genes: MEF2C (myocyte enhancer factor 2C; minus strand), MEF2C-AS2 (MEF2C antisense RNA 2; plus strand). Cytogenetic location: 5q14.3.
Variant type: single nucleotide variant.
Coding change: c.1337C>T on transcript NM_002397.5 (MANE Select); coding-DNA position 1337, C replaced by T.
Protein change: p.Pro446Leu; replaces proline 446 with leucine.
Molecular consequence: missense variant. On other transcripts: non-coding transcript variant (1), 3 prime UTR variant (9).
Genome position (GRCh38, 1-based): chr5:88,722,689, G>A on the plus strand (C>T on the coding strand, the complement: MEF2C is on the minus strand). VCF-style: chr5-88722689-G-A. GRCh37 (hg19) VCF-style: chr5-88018506-G-A.
Other names: c.1307C>T, p.Pro436Leu (NM_001131005.2); c.1367C>T, p.Pro456Leu (NM_001193347.1); c.1169C>T, p.Pro390Leu (NM_001193348.1); c.1097C>T, p.Pro366Leu (NM_001193349.3, NM_001364332.2); c.1337C>T, p.Pro446Leu (NM_001193350.2, NM_001364329.2, NM_001364330.2 and 1 more transcripts); c.1313C>T, p.Pro438Leu (NM_001308002.3, NM_001364333.2); c.1241C>T, p.Pro414Leu (NM_001363581.2, NM_001364334.2, NM_001364335.2 and 2 more transcripts); c.1271C>T, p.Pro424Leu (NM_001364338.2); and 7 more; short protein forms P404L, P414L, P436L, P456L, P288L, P446L, P320L, P366L.
Identifiers: ClinVar variation 2830591 (VCV002830591.3), dbSNP rs2152042647, ClinGen allele CA360421860.

ClinVar aggregate classification (germline): Uncertain significance (1 of 4 stars; one submission).

Conditions:
Neurodevelopmental disorder with hypotonia, stereotypic hand movements, and impaired language. Also called: Intellectual disability, autosomal dominant 20. Identifiers: Orphanet 228384, Orphanet 664410, MedGen C3150700, MONDO:0013266, OMIM 613443.

Submission:

Labcorp Genetics (formerly Invitae), Labcorp
Classification: Uncertain significance for Neurodevelopmental disorder with hypotonia, stereotypic hand movements, and impaired language. Last evaluated: 2023-01-20. Review status: criteria provided, single submitter. Criteria: Invitae Variant Classification Sherloc (09022015). Collection method: clinical testing. Allele origin: germline.
Comment: This sequence change replaces proline, which is neutral and non-polar, with leucine, which is neutral and non-polar, at codon 446 of the MEF2C protein (p.Pro446Leu). In summary, the available evidence is currently insufficient to determine the role of this variant in disease. Therefore, it has been classified as a Variant of Uncertain Significance. Advanced modeling of protein sequence and biophysical properties (such as structural, functional, and spatial information, amino acid conservation, physicochemical variation, residue mobility, and thermodynamic stability) has been performed at Invitae for this missense variant, however the output from this modeling did not meet the statistical confidence thresholds required to predict the impact of this variant on MEF2C protein function. This variant has not been reported in the literature in individuals affected with MEF2C-related conditions. This variant is not present in population databases (gnomAD no frequency).